The following is an entry in ClinVar:

ClinVar aggregate classification (germline): Uncertain significance (1 of 4 stars; one submission).

Conditions:
Hereditary cancer-predisposing syndrome. Also called: Neoplastic Syndromes, Hereditary; Tumor predisposition; Hereditary neoplastic syndrome; Hereditary Cancer Syndrome. Identifiers: Orphanet 140162, MedGen C0027672, MeSH D009386, MONDO:0015356.

Submission:

Ambry Genetics
Classification: Uncertain significance for Hereditary cancer-predisposing syndrome. Last evaluated: 2026-08-10. Review status: criteria provided, single submitter. Criteria: Ambry Variant Classification Scheme 2023. Collection method: clinical testing. Allele origin: germline.
Comment: The p.A866G variant (also known as c.2597C>G), located in coding exon 22 of the TSC2 gene, results from a C to G substitution at nucleotide position 2597. The alanine at codon 866 is replaced by glycine, an amino acid with similar properties. This amino acid position is conserved. In addition, the in silico prediction for this alteration is inconclusive. Based on the available evidence, the clinical significance of this variant remains unclear.

NM_000548.5(TSC2):c.2597C>G (p.Ala866Gly)

Gene: TSC2 (TSC complex subunit 2; plus strand). Cytogenetic location: 16p13.3.
Variant type: single nucleotide variant.
Coding change: c.2597C>G on transcript NM_000548.5 (MANE Select); coding-DNA position 2597, C replaced by G.
Protein change: p.Ala866Gly; replaces alanine 866 with glycine.
Molecular consequence: missense variant. On other transcripts: non-coding transcript variant (5).
Genome position (GRCh38, 1-based): chr16:2,075,850, C>G. VCF-style: chr16-2075850-C-G. GRCh37 (hg19) VCF-style: chr16-2125851-C-G.
Other names: c.2597C>G, p.Ala866Gly (NM_001370405.1, NM_001406663.1, NM_001406664.1 and 6 more transcripts); c.2687C>G, p.Ala896Gly (NM_001406667.1, NM_001406668.1); c.2486C>G, p.Ala829Gly (NM_001406670.1, NM_001406678.1, NM_001318827.2); c.2585C>G, p.Ala862Gly (NM_001406671.1, NM_001406673.1); c.1997C>G, p.Ala666Gly (NM_001406685.1, NM_001406686.1, NM_001406687.1 and 6 more transcripts); c.1253C>G, p.Ala418Gly (NM_001406689.1, NM_001406690.1, NM_001406691.1 and 6 more transcripts); c.995C>G, p.Ala332Gly (NM_001406698.1); c.2450C>G, p.Ala817Gly (NM_001406675.1, NM_001406676.1, NM_001406679.1 and 1 more transcripts); and 3 more; short protein forms A862G, A896G, A666G, A877G, A712G, A847G, A332G, A418G.
Identifiers: ClinVar variation 5031380 (VCV005031380.1).